The following is an entry in ClinVar:

NM_001330078.2(NRXN1):c.4094G>T (p.Arg1365Ile)

Gene: NRXN1 (neurexin 1; minus strand). Cytogenetic location: 2p16.3.
Variant type: single nucleotide variant.
Coding change: c.4094G>T on transcript NM_001330078.2 (MANE Select); coding-DNA position 4094, G replaced by T.
Protein change: p.Arg1365Ile; replaces arginine 1365 with isoleucine.
Molecular consequence: missense variant.
Genome position (GRCh38, 1-based): chr2:50,053,305, C>A on the plus strand (G>T on the coding strand, the complement: NRXN1 is on the minus strand). VCF-style: chr2-50053305-C-A. GRCh37 (hg19) VCF-style: chr2-50280443-C-A.
Other names: c.4214G>T, p.Arg1405Ile (NM_001135659.3); c.4070G>T, p.Arg1357Ile (NM_001330077.2, NM_001330082.2); c.3938G>T, p.Arg1313Ile (NM_001330083.2); c.4028G>T, p.Arg1343Ile (NM_001330084.2); c.4067G>T, p.Arg1356Ile (NM_001330085.2); c.4094G>T, p.Arg1365Ile (NM_001330086.2); c.3893G>T, p.Arg1298Ile (NM_001330087.2, NM_001330096.2); c.3923G>T, p.Arg1308Ile (NM_001330088.2); and 6 more; short protein forms R1335I, R1356I, R1364I, R1405I, R1343I, R1357I, R300I, R1298I.
Identifiers: ClinVar variation 654740 (VCV000654740.1), dbSNP rs1220949138, ClinGen allele CA346819405.

ClinVar aggregate classification (germline): Uncertain significance (1 of 4 stars; one submission).

Conditions:
Pitt-Hopkins-like syndrome 2 (PTHSL2). Identifiers: Orphanet 221150, Orphanet 600663, MedGen C3280479, MONDO:0013690, OMIM 614325.

Allele frequency attached by ClinVar (database versions not stated): gnomAD exomes below 0.00001.
gnomAD v4.1: 1 of 1,614,004 alleles (0.000062%); no homozygotes.

Submission:

Labcorp Genetics (formerly Invitae), Labcorp
Classification: Uncertain significance for Pitt-Hopkins-like syndrome 2. Last evaluated: 2018-07-24. Review status: criteria provided, single submitter. Criteria: Invitae Variant Classification Sherloc (09022015). Collection method: clinical testing. Allele origin: germline.
Comment: This sequence change replaces arginine with isoleucine at codon 1405 of the NRXN1 protein (p.Arg1405Ile). The arginine residue is highly conserved and there is a moderate physicochemical difference between arginine and isoleucine. This variant is not present in population databases (ExAC no frequency). This variant has not been reported in the literature in individuals with NRXN1-related disease. Algorithms developed to predict the effect of missense changes on protein structure and function are either unavailable or do not agree on the potential impact of this missense change (SIFT: "Tolerated"; PolyPhen-2: "Possibly Damaging"; Align-GVGD: "Class C0"). In summary, the available evidence is currently insufficient to determine the role of this variant in disease. Therefore, it has been classified as a Variant of Uncertain Significance.